The following is an entry in ClinVar:

NM_015650.4(IFT54):c.115A>G (p.Ile39Val)

Gene: IFT54 (intraflagellar transport 54; plus strand). Cytogenetic location: 2q37.3.
Variant type: single nucleotide variant.
Coding change: c.115A>G on transcript NM_015650.4 (MANE Select); coding-DNA position 115, A replaced by G.
Protein change: p.Ile39Val; replaces isoleucine 39 with valine.
Molecular consequence: missense variant.
Genome position (GRCh38, 1-based): chr2:238,320,777, A>G. VCF-style: chr2-238320777-A-G. GRCh37 (hg19) VCF-style: chr2-239229418-A-G.
Other names: c.115A>G, p.Ile39Val (NM_001139490.1); short protein forms I39V.
Identifiers: ClinVar variation 858440 (VCV000858440.10), dbSNP rs370097041, ClinGen allele CA2197942.

ClinVar aggregate classification (germline): Conflicting classifications of pathogenicity. Review status: criteria provided, conflicting classifications (1 of 4 stars). 5 submissions from 5 submitters: Uncertain significance (3); Benign (1). 1 of the submissions does not count toward it. Last evaluated 2026-01-05.

Conditions:
Inborn genetic diseases. Identifiers: MedGen C0950123, MeSH D030342.
TRAF3IP1-related disorder. Also called: TRAF3IP1-related condition.

Allele frequency attached by ClinVar (database versions not stated): gnomAD exomes 0.00003 and 0.00005; ExAC 0.00021; ESP Exome Variant Server 0.00024; TOPMed 0.00039; 1000 Genomes Project 0.00040; gnomAD 0.00042 and 0.00044; 1000 Genomes Project 30x 0.00047.
gnomAD v4.1: 110 of 1,417,300 alleles (0.0078%); highest among the groups gnomAD compares: African/African-American, 0.14%; no homozygotes.

Submissions (5):

Labcorp Genetics (formerly Invitae), Labcorp
Classification: Uncertain significance. Last evaluated: 2026-01-05. Review status: criteria provided, single submitter. Criteria: Invitae Variant Classification Sherloc (09022015). Collection method: clinical testing. Allele origin: germline.
Comment: This sequence change replaces isoleucine, which is neutral and non-polar, with valine, which is neutral and non-polar, at codon 39 of the TRAF3IP1 protein (p.Ile39Val). This variant is present in population databases (rs370097041, gnomAD 0.2%). This variant has not been reported in the literature in individuals affected with TRAF3IP1-related conditions. ClinVar contains an entry for this variant (Variation ID: 858440). Invitae Evidence Modeling of protein sequence and biophysical properties (such as structural, functional, and spatial information, amino acid conservation, physicochemical variation, residue mobility, and thermodynamic stability) indicates that this missense variant is not expected to disrupt TRAF3IP1 protein function with a negative predictive value of 80%. In summary, the available evidence is currently insufficient to determine the role of this variant in disease. Therefore, it has been classified as a Variant of Uncertain Significance.

Blueprint Genetics
Classification: Benign. Last evaluated: 2024-06-20. Review status: criteria provided, single submitter. Criteria: ACMG Guidelines, 2015. Collection method: clinical testing. Allele origin: germline.

GeneDx
Classification: Uncertain significance. Last evaluated: 2023-09-21. Review status: criteria provided, single submitter. Criteria: GeneDx Variant Classification Process June 2021. Collection method: clinical testing. Allele origin: germline. Affected: yes.
Comment: In silico analysis supports that this missense variant does not alter protein structure/function; Has not been previously published as pathogenic or benign to our knowledge

Ambry Genetics
Classification: Uncertain significance for Inborn genetic diseases. Last evaluated: 2021-12-07. Review status: criteria provided, single submitter. Criteria: Ambry Variant Classification Scheme 2023. Collection method: clinical testing. Allele origin: germline.

PreventionGenetics, part of Exact Sciences
Classification: Likely benign for TRAF3IP1-related condition. Last evaluated: 2023-07-29. Review status: no assertion criteria provided. Collection method: clinical testing. Allele origin: germline. Not counted in ClinVar's aggregate classification.
Comment: This variant is classified as likely benign based on ACMG/AMP sequence variant interpretation guidelines (Richards et al. 2015 PMID: 25741868, with internal and published modifications).